The following is an entry in ClinVar:

NM_007294.4(BRCA1):c.2386dup (p.Thr796fs)

Gene: BRCA1 (BRCA1 DNA repair associated; minus strand). Cytogenetic location: 17q21.31.
Variant type: Duplication.
Coding change: c.2386dup on transcript NM_007294.4 (MANE Select); coding-DNA position 2386, one base duplicated (A; older notation c.2386dupA).
Protein change: p.Thr796fs; shifts the reading frame from threonine 796.
Molecular consequence: frameshift variant. On other transcripts: intron variant (137).
Genome position (GRCh38, 1-based): chr17:43,093,145, T duplicated on the plus strand (A on the coding strand, the reverse complement: BRCA1 is on the minus strand); the first of 5 consecutive T bases (chr17:43,093,145-43,093,149); duplicating any one gives the same sequence. VCF-style (leftmost placement, unchanged base first): chr17-43093144-G-GT. GRCh37 (hg19) VCF-style: chr17-41245161-G-GT.
Other names: 2505insA; c.2173dup, p.Thr725fs (NM_001407853.1, NM_001407894.1, NM_001407895.1 and 9 more transcripts); c.2386dup, p.Thr796fs (NM_001407854.1, NM_001407858.1, NM_007300.4 and 30 more transcripts); c.2176dup, p.Thr726fs (NM_001407884.1, NM_001407885.1, NM_001407886.1 and 13 more transcripts); c.2263dup, p.Thr755fs (NM_001407919.1, NM_001407937.1, NM_001407938.1 and 19 more transcripts); c.2122dup, p.Thr708fs (NM_001407920.1, NM_001407921.1, NM_001407933.1 and 9 more transcripts); c.2119dup, p.Thr707fs (NM_001407932.1, NM_001407934.1, NM_001407936.1 and 2 more transcripts); c.2053dup, p.Thr685fs (NM_001407950.1, NM_001407951.1, NM_001407952.1 and 6 more transcripts); and 43 more; short protein forms T749fs, T796fs, T628fs, T707fs, T748fs, T769fs, T685fs, T708fs.
Identifiers: ClinVar variation 91585 (VCV000091585.3), dbSNP rs398122657, ClinGen allele CA001582.

ClinVar aggregate classification (germline): Pathogenic. Review status: reviewed by expert panel (3 of 4 stars). 2 submissions from 2 submitters: Pathogenic (1). 1 of the submissions does not count toward it. Last evaluated 2016-09-08.

Conditions:
Breast-ovarian cancer, familial, susceptibility to, 1 (BROVCA1). Also called: BRCA1 Hereditary Breast and Ovarian Cancer; OVARIAN CANCER, SUSCEPTIBILITY TO. Identifiers: Orphanet 145, MedGen C2676676, MONDO:0011450, OMIM 604370. Disease mechanism: loss of function.

Submissions (2):

Evidence-based Network for the Interpretation of Germline Mutant Alleles (ENIGMA)
Classification: Pathogenic for Breast-ovarian cancer, familial, susceptibility to, 1. Last evaluated: 2016-09-08. Review status: reviewed by expert panel. Criteria: ENIGMA BRCA1/2 Classification Criteria (2015). Collection method: curation. Allele origin: germline.
Comment: Variant allele predicted to encode a truncated non-functional protein.

Sharing Clinical Reports Project (SCRP)
Classification: Pathogenic for Breast-ovarian cancer, familial 1. Last evaluated: 2010-03-25. Review status: no assertion criteria provided. Collection method: clinical testing. Allele origin: germline. Not counted in ClinVar's aggregate classification.